The following is an entry in ClinVar:

ClinVar aggregate classification (germline): Benign (1 of 4 stars; one submission).

Allele frequency attached by ClinVar (database versions not stated): 1000 Genomes Project 0.00359; 1000 Genomes Project 30x 0.00500; gnomAD 0.00908.
gnomAD v4.1: 1,038 of 111,898 alleles (0.93%); highest among the groups gnomAD compares: Middle Eastern, 4.9%; 5 homozygotes.

Submission:

CeGaT Center for Human Genetics Tuebingen
Classification: Benign. Last evaluated: 2026-09-01. Review status: criteria provided, single submitter. Criteria: CeGaT Center For Human Genetics Tuebingen Variant Classification Criteria Version 2. Collection method: clinical testing. Allele origin: germline. Affected: yes. Observed: 44 variant alleles.
Comment: AHI1: BS1, BS2

NM_001134831.2(AHI1):c.3426+7231G>A

Gene: AHI1 (Abelson helper integration site 1; minus strand). Cytogenetic location: 6q23.3.
Variant type: single nucleotide variant.
Coding change: c.3426+7231G>A on transcript NM_001134831.2 (MANE Select); 7231 bases into the intron after coding-DNA position 3426, G replaced by A.
Molecular consequence: intron variant.
Genome position (GRCh38, 1-based): chr6:135,311,288, C>T on the plus strand (G>A on the coding strand, the complement: AHI1 is on the minus strand). VCF-style: chr6-135311288-C-T. GRCh37 (hg19) VCF-style: chr6-135632426-C-T.
Other names: c.3426+7231G>A (NM_001134830.2, NM_001350503.2, NM_017651.5 and 1 more transcripts).
Identifiers: ClinVar variation 2656926 (VCV002656926.24), dbSNP rs373488220, ClinGen allele CA148532436.